The following is an entry in ClinVar:

NM_001195263.2(PDZD7):c.2250G>T (p.Trp750Cys)

Gene: PDZD7 (PDZ domain containing 7; minus strand). Cytogenetic location: 10q24.31.
Variant type: single nucleotide variant.
Coding change: c.2250G>T on transcript NM_001195263.2 (MANE Select); coding-DNA position 2250, G replaced by T.
Protein change: p.Trp750Cys; replaces tryptophan 750 with cysteine.
Molecular consequence: missense variant.
Genome position (GRCh38, 1-based): chr10:101,010,639, C>A on the plus strand (G>T on the coding strand, the complement: PDZD7 is on the minus strand). VCF-style: chr10-101010639-C-A. GRCh37 (hg19) VCF-style: chr10-102770396-C-A.
Other names: short protein forms W750C.
Identifiers: ClinVar variation 281980 (VCV000281980.30), dbSNP rs759725715, ClinGen allele CA5653994.

ClinVar aggregate classification (germline): Conflicting classifications of pathogenicity. Review status: criteria provided, conflicting classifications (1 of 4 stars). 8 submissions from 8 submitters: Uncertain significance (2); Likely benign (3). 3 of the submissions do not count toward it. Last evaluated 2026-01-15.

Conditions:
PDZD7-related disorder. Also called: PDZD7-related condition; PDZD7-related disorders.

Allele frequency attached by ClinVar (database versions not stated): 1000 Genomes Project 30x 0.00031; TOPMed 0.00125; gnomAD exomes 0.00127 and 0.00193; ExAC 0.00129; gnomAD 0.00132 and 0.00136.

Submissions (8):

Labcorp Genetics (formerly Invitae), Labcorp
Classification: Likely benign. Last evaluated: 2026-01-15. Review status: criteria provided, single submitter. Criteria: Invitae Variant Classification Sherloc (09022015). Collection method: clinical testing. Allele origin: germline.

CeGaT Center for Human Genetics Tuebingen
Classification: Likely benign. Last evaluated: 2026-01-01. Review status: criteria provided, single submitter. Criteria: CeGaT Center For Human Genetics Tuebingen Variant Classification Criteria Version 2. Collection method: clinical testing. Allele origin: germline. Affected: yes. Observed: 2 variant alleles.
Comment: PDZD7: BS1:Supporting

Blueprint Genetics
Classification: Likely benign. Last evaluated: 2024-10-29. Review status: criteria provided, single submitter. Criteria: ACMG Guidelines, 2015. Collection method: clinical testing. Allele origin: germline.

GeneDx
Classification: Uncertain significance. Last evaluated: 2021-10-04. Review status: criteria provided, single submitter. Criteria: GeneDx Variant Classification Process June 2021. Collection method: clinical testing. Allele origin: germline. Affected: yes.
Comment: Observed in a family with hereditary spastic paraplegia in published literature (Coutelier et al., 2015); In silico analysis supports that this missense variant has a deleterious effect on protein structure/function; This variant is associated with the following publications: (PMID: 26026163)

Eurofins Ntd Llc (ga)
Classification: Uncertain significance. Last evaluated: 2015-07-30. Review status: criteria provided, single submitter. Criteria: EGL Classification Definitions 2015. Collection method: clinical testing. Allele origin: germline. Observed: 1 variant allele, 1 heterozygote.

PreventionGenetics, part of Exact Sciences
Classification: Likely benign for PDZD7-related condition. Last evaluated: 2023-04-12. Review status: no assertion criteria provided. Collection method: clinical testing. Allele origin: germline. Not counted in ClinVar's aggregate classification.
Comment: This variant is classified as likely benign based on ACMG/AMP sequence variant interpretation guidelines (Richards et al. 2015 PMID: 25741868, with internal and published modifications).

Clinical Genetics DNA and cytogenetics Diagnostics Lab, Erasmus MC, Erasmus Medical Center
Classification: Uncertain significance. Review status: no assertion criteria provided. Collection method: clinical testing. Allele origin: germline. Affected: yes. Study: VKGL Data-share Consensus. Not counted in ClinVar's aggregate classification.

Clinical Genetics, Academic Medical Center
Classification: Uncertain significance. Review status: no assertion criteria provided. Collection method: clinical testing. Allele origin: germline. Affected: yes. Study: VKGL Data-share Consensus. Not counted in ClinVar's aggregate classification.